The following is an entry in ClinVar:

ClinVar aggregate classification (germline): Uncertain significance (1 of 4 stars; one submission).

Submission:

Ambry Genetics
Classification: Uncertain significance. Last evaluated: 2024-06-22. Review status: criteria provided, single submitter. Criteria: Ambry Variant Classification Scheme 2023. Collection method: clinical testing. Allele origin: germline.
Comment: The p.P2222T variant (also known as c.6664C>A), located in coding exon 22 of the POLQ gene, results from a C to A substitution at nucleotide position 6664. The proline at codon 2222 is replaced by threonine, an amino acid with highly similar properties. This amino acid position is conserved. In addition, this alteration is predicted to be tolerated by in silico analysis. Based on the available evidence, the clinical significance of this variant remains unclear.

NM_199420.4(POLQ):c.6664C>A (p.Pro2222Thr)

Gene: POLQ (DNA polymerase theta; minus strand). Cytogenetic location: 3q13.33.
Variant type: single nucleotide variant.
Coding change: c.6664C>A on transcript NM_199420.4 (MANE Select); coding-DNA position 6664, C replaced by A.
Protein change: p.Pro2222Thr; replaces proline 2222 with threonine.
Molecular consequence: missense variant.
Genome position (GRCh38, 1-based): chr3:121,472,044, G>T on the plus strand (C>A on the coding strand, the complement: POLQ is on the minus strand). VCF-style: chr3-121472044-G-T. GRCh37 (hg19) VCF-style: chr3-121190891-G-T.
Other names: short protein forms P2222T.
Identifiers: ClinVar variation 3308745 (VCV003308745.1).
Genomic context (GRCh38, chr3:121,472,044, plus strand): 5'-CATCACCTGTAGCAGTGTGCGACTGTGATACAGGATAGATTCTTTCCATTCCAAGAAAAG[G>T]ATTAAGACACTTTTCCCGCTGAAGGGGAAAGACCACTTTGGTAATAGCATTAGTGATTCT-3'
Protein context (NP_955452.3, residues 2212-2232): FPLQREKCLN[Pro2222Thr]FLGMERIYPV